The following is an entry in ClinVar:

NM_000384.3(APOB):c.3634C>A (p.Leu1212Met)

Gene: APOB (apolipoprotein B; minus strand). Cytogenetic location: 2p24.1.
Variant type: single nucleotide variant.
Coding change: c.3634C>A on transcript NM_000384.3 (MANE Select); coding-DNA position 3634, C replaced by A.
Protein change: p.Leu1212Met; replaces leucine 1212 with methionine.
Molecular consequence: missense variant.
Genome position (GRCh38, 1-based): chr2:21,015,135, G>T on the plus strand (C>A on the coding strand, the complement: APOB is on the minus strand). VCF-style: chr2-21015135-G-T. GRCh37 (hg19) VCF-style: chr2-21238007-G-T.
Other names: p.Leu1212Met; short protein forms L1212M.
Identifiers: ClinVar variation 218444 (VCV000218444.35), dbSNP rs61736761, ClinGen allele CA059241.
Genomic context (GRCh38, chr2:21,015,135, plus strand): 5'-CTATTAATTTGGAACCCACGTGCCGGAAAGTCATGTCTGTTTGAGGGACTCTGTGATCCA[G>T]GAGTCTATTAGCATACATATGCAAGCTCTTAGGATAATCGGAGAGATCCACAGGGAAATT-3'
Protein context (NP_000375.3, residues 1202-1222): KSLHMYANRL[Leu1212Met]DHRVPQTDMT

ClinVar aggregate classification (germline): Conflicting classifications of pathogenicity. Review status: criteria provided, conflicting classifications (1 of 4 stars). 16 submissions from 15 submitters: Uncertain significance (1); Benign (11); Likely benign (2). 2 of the submissions do not count toward it. Last evaluated 2026-02-19.

Conditions:
Cardiovascular phenotype. Identifiers: MedGen CN230736.
Hypercholesterolemia, autosomal dominant, type B (FHCL2). Also called: APOB-Related Familial Hypercholesterolemia, Autosomal Dominant; HYPERCHOLESTEROLEMIA, FAMILIAL, DUE TO LIGAND-DEFECTIVE APOLIPOPROTEIN B; Familial Hypercholesterolemia Type B; Hyperlipoproteinemia Type IIb; Familial hypercholesterolemia 2; APOLIPOPROTEIN B-100, FAMILIAL DEFECTIVE. Identifiers: MedGen C1704417, MONDO:0007751, OMIM 144010.
Familial hypobetalipoproteinemia 1. Also called: Hypobetalipoproteinemia, normotriglyceridemic; Acanthocytosis with hypobetalipoproteinemia; APOB-Related Familial Hypobetalipoproteinemia. Identifiers: MedGen C4551990, MONDO:0014252, OMIM 615558.
Familial hypercholesterolemia. Also called: Familial hypercholesterolaemia; Familial hypercholesterolemias. Identifiers: MedGen C0020445, MONDO:0005439.
Hypercholesterolemia, familial, 1. Also called: LDL RECEPTOR DISORDER; Hyperlipoproteinemia Type IIa; HYPER-LOW-DENSITY-LIPOPROTEINEMIA; HYPERCHOLESTEROLEMIC XANTHOMATOSIS, FAMILIAL; Fredrickson type IIa hyperlipoproteinemia; Hyperlipoproteinemia type 2. Identifiers: Orphanet 391665, MedGen C0745103, MONDO:0007750, OMIM 143890.

Allele frequency attached by ClinVar (database versions not stated): gnomAD 0.02591; TOPMed 0.02786; ESP Exome Variant Server 0.02937; 1000 Genomes Project 30x 0.03029; ExAC 0.00938; 1000 Genomes Project 0.02835.
gnomAD v4.1: 8,870 of 1,614,164 alleles (0.55%); highest among the groups gnomAD compares: African/African-American, 9.2%; 344 homozygotes.

Submissions (16):

GENinCode PLC
Classification: Benign for Familial hypercholesterolemia. Last evaluated: 2026-02-19. Review status: criteria provided, single submitter. Criteria: ACMG Guidelines, 2015. Collection method: clinical testing. Allele origin: germline.
Comment: The APOB c.3634C>A p.(Leu1212Met) missense variant has a GrpMax filtering allele frequency of 0.09016 in the African/ African American genetic ancestry group (gnomAD v4.1.1), which is higher than our in-house threshold (0.005 for BA1), and therefore meets this criterion and is classified as Benign.

Labcorp Genetics (formerly Invitae), Labcorp
Classification: Benign for Familial hypobetalipoproteinemia 1; Hypercholesterolemia, autosomal dominant, type B. Last evaluated: 2026-02-03. Review status: criteria provided, single submitter. Criteria: Invitae Variant Classification Sherloc (09022015). Collection method: clinical testing. Allele origin: germline.

Molecular Diagnostic Laboratory for Inherited Cardiovascular Disease, Montreal Heart Institute
Classification: Benign. Last evaluated: 2025-04-09. Review status: criteria provided, single submitter. Criteria: ACMG Guidelines, 2015. Collection method: clinical testing. Allele origin: germline. Affected: no.

ARUP Laboratories, Molecular Genetics and Genomics, ARUP Laboratories
Classification: Benign. Last evaluated: 2024-12-23. Review status: criteria provided, single submitter. Criteria: ARUP Molecular Germline Variant Investigation Process 2024. Collection method: clinical testing. Allele origin: germline.

Quest Diagnostics Nichols Institute San Juan Capistrano
Classification: Benign. Last evaluated: 2022-05-13. Review status: criteria provided, single submitter. Criteria: Quest Diagnostics criteria. Collection method: clinical testing. Allele origin: unknown.

Robarts Research Institute, Western University
Classification: Benign for Hypercholesterolemia, familial, 1. Last evaluated: 2019-08-22. Review status: criteria provided, single submitter. Criteria: Wang et al. (Arterioscler Thromb Vasc Biol. 2016). Collection method: clinical testing. Allele origin: germline. Inheritance: Autosomal dominant inheritance. Affected: yes. Observed: 1 variant allele.

Illumina Laboratory Services, Illumina
Classification: Likely benign for Familial hypobetalipoproteinemia 1. Last evaluated: 2018-01-13. Review status: criteria provided, single submitter. Criteria: ICSL Variant Classification Criteria 13 December 2019. Collection method: clinical testing. Allele origin: germline.
Comment: This variant was observed in the ICSL laboratory as part of a predisposition screen in an ostensibly healthy population. It had not been previously curated by ICSL or reported in the Human Gene Mutation Database (HGMD: prior to June 1st, 2018), and was therefore a candidate for classification through an automated scoring system. Utilizing variant allele frequency, disease prevalence and penetrance estimates, and inheritance mode, an automated score was calculated to assess if this variant is too frequent to cause the disease. Based on the score and internal cut-off values, a variant classified as likely benign is not then subjected to further curation. The score for this variant resulted in a classification of likely benign for this disease.

Illumina Laboratory Services, Illumina
Classification: Benign for Hypercholesterolemia, autosomal dominant, type B. Last evaluated: 2018-01-13. Review status: criteria provided, single submitter. Criteria: ICSL Variant Classification Criteria 13 December 2019. Collection method: clinical testing. Allele origin: germline.
Comment: This variant was observed in the ICSL laboratory as part of a predisposition screen in an ostensibly healthy population. It had not been previously curated by ICSL or reported in the Human Gene Mutation Database (HGMD: prior to June 1st, 2018), and was therefore a candidate for classification through an automated scoring system. Utilizing variant allele frequency, disease prevalence and penetrance estimates, and inheritance mode, an automated score was calculated to assess if this variant is too frequent to cause the disease. Based on the score and internal cut-off values, a variant classified as benign is not then subjected to further curation. The score for this variant resulted in a classification of benign for this disease.

Color Diagnostics, LLC DBA Color Health
Classification: Benign for Familial hypercholesterolemia. Last evaluated: 2017-06-27. Review status: criteria provided, single submitter. Criteria: ACMG Guidelines, 2015. Collection method: clinical testing. Allele origin: germline.

GeneDx
Classification: Benign. Last evaluated: 2017-06-27. Review status: criteria provided, single submitter. Criteria: GeneDx Variant Classification (06012015). Collection method: clinical testing. Allele origin: germline. Affected: yes.
Comment: This variant is considered likely benign or benign based on one or more of the following criteria: it is a conservative change, it occurs at a poorly conserved position in the protein, it is predicted to be benign by multiple in silico algorithms, and/or has population frequency not consistent with disease.

Ambry Genetics
Classification: Benign for Cardiovascular phenotype. Last evaluated: 2016-04-05. Review status: criteria provided, single submitter. Criteria: Ambry Variant Classification Scheme 2023. Collection method: clinical testing. Allele origin: germline.

Laboratory of Genetics and Molecular Cardiology, University of São Paulo
Classification: Uncertain significance for Familial hypercholesterolemia. Last evaluated: 2016-03-01. Review status: criteria provided, single submitter. Criteria: ACMG Guidelines, 2015. Collection method: research. Allele origin: germline. Study: HipercolBrasil.

Genomic Diagnostic Laboratory, Division of Genomic Diagnostics, Children's Hospital of Philadelphia
Classification: Likely benign for Familial hypercholesterolemia. Last evaluated: 2015-02-16. Review status: criteria provided, single submitter. Criteria: DGD Variant Analysis Guidelines. Collection method: clinical testing. Allele origin: unknown.

Mayo Clinic Laboratories, Mayo Clinic
Classification: Benign. Last evaluated: 2014-01-31. Review status: criteria provided, single submitter. Criteria: ACMG Guidelines, 2015. Collection method: clinical testing. Allele origin: germline. Observed: 21 variant alleles.

Clinical Genetics, Academic Medical Center
Classification: Benign. Review status: no assertion criteria provided. Collection method: clinical testing. Allele origin: germline. Affected: yes. Study: VKGL Data-share Consensus. Not counted in ClinVar's aggregate classification.

Diagnostic Laboratory, Department of Genetics, University Medical Center Groningen
Classification: Benign. Review status: no assertion criteria provided. Collection method: clinical testing. Allele origin: germline. Affected: yes. Study: VKGL Data-share Consensus. Not counted in ClinVar's aggregate classification.

Literature cited by the submitters: PubMed 19602640 (cited by Quest Diagnostics Nichols Institute San Juan Capistrano).